The following is an entry in ClinVar:

ClinVar aggregate classification (germline): Benign (1 of 4 stars; one submission).

Submission:

CeGaT Center for Human Genetics Tuebingen
Classification: Benign. Last evaluated: 2022-06-01. Review status: criteria provided, single submitter. Criteria: CeGaT Center For Human Genetics Tuebingen Variant Classification Criteria Version 2. Collection method: clinical testing. Allele origin: germline. Affected: yes. Observed: 1 variant allele.
Comment: SPEN: BS1, BS2

NM_015001.3(SPEN):c.5887GAG[2] (p.Glu1965del)

Gene: SPEN (spen family transcriptional repressor; plus strand). Cytogenetic location: 1p36.13.
Variant type: Microsatellite.
Coding change: c.5887GAG[2] on transcript NM_015001.3 (MANE Select); two copies in a row of the 3-base unit GAG starting at c.5887; the reference has three copies in a row; one copy, 3 bases deleted.
Protein change: p.Glu1965del; deletes glutamic acid 1965.
Molecular consequence: inframe deletion.
Genome position (GRCh38, 1-based): chr1:15,932,133-15,932,135, GAG deleted; deleting any 3 consecutive bases within chr1:15,932,127-15,932,135 gives the same sequence; the position shown is the placement nearest the transcript's 3' end. VCF-style (leftmost placement, unchanged base first): chr1-15932126-AGAG-A. GRCh37 (hg19) VCF-style: chr1-16258621-AGAG-A.
Other names: short protein forms E1965del.
Identifiers: ClinVar variation 2638324 (VCV002638324.24), dbSNP rs769251513, ClinGen allele CA619812.
Genomic context (GRCh38, chr1:15,932,126, plus strand): 5'-AGCGGTTCCCACCACCCCTCGGAGGGGAAGGCCTCCAAAGACACGCCGGCGAGCCGATGA[AGAG>A]GAGGAGAACGAGGCCAAGGAACCTGCAGAAACACTCAAGCCACCTGAGGGATGGCGGTCG-3'